The following is an entry in ClinVar:

ClinVar aggregate classification (germline): Uncertain significance (1 of 4 stars; one submission).

Conditions:
Neurofibromatosis, type 1 (NF1). Also called: VON RECKLINGHAUSEN DISEASE; NEUROFIBROMATOSIS, TYPE I, SOMATIC; Peripheral type neurofibromatosis; Neurofibromatosis, type I. Identifiers: Orphanet 636, MedGen C0027831, MONDO:0018975, OMIM 162200. Disease mechanism: loss of function.

Submission:

Labcorp Genetics (formerly Invitae), Labcorp
Classification: Uncertain significance for Neurofibromatosis, type 1. Last evaluated: 2017-09-12. Review status: criteria provided, single submitter. Criteria: Invitae Variant Classification Sherloc (09022015). Collection method: clinical testing. Allele origin: germline.
Comment: This sequence change replaces glutamine with lysine at codon 2126 of the NF1 protein (p.Gln2126Lys). The glutamine residue is moderately conserved and there is a small physicochemical difference between glutamine and lysine. In summary, the available evidence is currently insufficient to determine the role of this variant in disease. Therefore, it has been classified as a Variant of Uncertain Significance. Algorithms developed to predict the effect of missense changes on protein structure and function do not agree on the potential impact of this missense change (SIFT: "Tolerated"; PolyPhen-2: "Possibly Damaging"; Align-GVGD: "Class C0"). This variant has not been reported in the literature in individuals with NF1-related disease. This variant is not present in population databases (ExAC no frequency).

NM_001042492.3(NF1):c.6439C>A (p.Gln2147Lys)

Gene: NF1 (neurofibromin 1; plus strand). Cytogenetic location: 17q11.2.
Variant type: single nucleotide variant.
Coding change: c.6439C>A on transcript NM_001042492.3 (MANE Select); coding-DNA position 6439, C replaced by A.
Protein change: p.Gln2147Lys; replaces glutamine 2147 with lysine.
Molecular consequence: missense variant.
Genome position (GRCh38, 1-based): chr17:31,337,379, C>A. VCF-style: chr17-31337379-C-A. GRCh37 (hg19) VCF-style: chr17-29664397-C-A.
Other names: c.6376C>A, p.Gln2126Lys (NM_000267.4); short protein forms Q2147K, Q2126K.
Identifiers: ClinVar variation 527445 (VCV000527445.5), dbSNP rs1555534859, ClinGen allele CA399013011.